The following is an entry in ClinVar:

NM_001128840.3(CACNA1D):c.5548G>A (p.Glu1850Lys)

Gene: CACNA1D (calcium voltage-gated channel subunit alpha1 D; plus strand). Cytogenetic location: 3p21.1.
Variant type: single nucleotide variant.
Coding change: c.5548G>A on transcript NM_001128840.3 (MANE Select); coding-DNA position 5548, G replaced by A.
Protein change: p.Glu1850Lys; replaces glutamic acid 1850 with lysine.
Molecular consequence: missense variant.
Genome position (GRCh38, 1-based): chr3:53,803,535, G>A. VCF-style: chr3-53803535-G-A. GRCh37 (hg19) VCF-style: chr3-53837562-G-A.
Other names: c.5608G>A, p.Glu1870Lys (NM_000720.4); c.5476G>A, p.Glu1826Lys (NM_001128839.3); short protein forms E1870K, E1826K, E1850K.
Identifiers: ClinVar variation 1464283 (VCV001464283.8), dbSNP rs2095546835, ClinGen allele CA353253820.

ClinVar aggregate classification (germline): Uncertain significance (1 of 4 stars; one submission).

Allele frequency attached by ClinVar (database versions not stated): TOPMed below 0.00001; gnomAD 0.00001; gnomAD exomes 0.00001.
gnomAD v4.1: 21 of 1,614,074 alleles (0.0013%); highest among the groups gnomAD compares: Non-Finnish European, 0.0017%; no homozygotes.

Submission:

Labcorp Genetics (formerly Invitae), Labcorp
Classification: Uncertain significance. Last evaluated: 2024-04-15. Review status: criteria provided, single submitter. Criteria: Invitae Variant Classification Sherloc (09022015). Collection method: clinical testing. Allele origin: germline.
Comment: This sequence change replaces glutamic acid, which is acidic and polar, with lysine, which is basic and polar, at codon 1870 of the CACNA1D protein (p.Glu1870Lys). This variant is not present in population databases (gnomAD no frequency). This variant has not been reported in the literature in individuals affected with CACNA1D-related conditions. ClinVar contains an entry for this variant (Variation ID: 1464283). An algorithm developed to predict the effect of missense changes on protein structure and function (PolyPhen-2) suggests that this variant is likely to be disruptive. In summary, the available evidence is currently insufficient to determine the role of this variant in disease. Therefore, it has been classified as a Variant of Uncertain Significance.